The following is an entry in ClinVar:

ClinVar aggregate classification (germline): Pathogenic. Review status: criteria provided, multiple submitters, no conflicts (2 of 4 stars). 3 submissions from 3 submitters: Pathogenic (3). Last evaluated 2025-01-13.

Conditions:
PARK2-related disorders.

Allele frequency attached by ClinVar (database versions not stated): ExAC 0.00001; gnomAD 0.00001; gnomAD exomes 0.00001.
gnomAD v4.1: 10 of 1,613,756 alleles (0.00062%); highest among the groups gnomAD compares: Admixed American, 0.0017%; no homozygotes.

Submissions (3):

Dasa
Classification: Pathogenic. Last evaluated: 2025-01-13. Review status: criteria provided, single submitter. Criteria: DASA Assertion Criteria. Collection method: clinical testing. Allele origin: germline.
Comment: NM_004562.3(PRKN):c.97C>T (p.Arg33*) introduces a premature termination codon predicted to result in loss of normal protein function. Loss-of-function is an established mechanism of disease for this gene. This variant has been observed in affected individuals with related phenotype in a genotype context consistent with recessive disease (PMID: 10939576). This variant has been reported in individuals with related phenotype (PMID: 10939576). The variant is present at low frequency in population datasets. Based on the available data, this variant is classified as pathogenic.

Blueprint Genetics
Classification: Pathogenic for PARK2-related disorders. Last evaluated: 2021-08-06. Review status: criteria provided, single submitter. Criteria: ACMG Guidelines, 2015. Collection method: clinical testing. Allele origin: germline. Affected: yes. Observed: 3 variant alleles.

Labcorp Genetics (formerly Invitae), Labcorp
Classification: Pathogenic. Last evaluated: 2021-07-21. Review status: criteria provided, single submitter. Criteria: Invitae Variant Classification Sherloc (09022015). Collection method: clinical testing. Allele origin: germline.
Comment: For these reasons, this variant has been classified as Pathogenic. Loss-of-function variants in PRKN are known to be pathogenic (PMID: 10072423, 20301651, 22956510). This variant has been observed in individual(s) with Parkinson's disease (PMID: 10939576). It has also been observed to segregate with disease in related individuals. This variant is present in population databases (rs770591350, ExAC 0.001%). This sequence change creates a premature translational stop signal (p.Arg33*) in the PRKN gene. It is expected to result in an absent or disrupted protein product.

Literature cited by the submitters: PubMed 10939576 (cited by Dasa and Labcorp Genetics (formerly Invitae), Labcorp); PubMed 10072423 (cited by Labcorp Genetics (formerly Invitae), Labcorp); PubMed 20301651 (cited by Labcorp Genetics (formerly Invitae), Labcorp); PubMed 22956510 (cited by Labcorp Genetics (formerly Invitae), Labcorp).

NM_004562.3(PRKN):c.97C>T (p.Arg33Ter)

Gene: PRKN (parkin RBR E3 ubiquitin protein ligase; minus strand). Cytogenetic location: 6q26.
Variant type: single nucleotide variant.
Coding change: c.97C>T on transcript NM_004562.3 (MANE Select); coding-DNA position 97, C replaced by T.
Protein change: p.Arg33Ter; replaces arginine 33 with a stop codon.
Molecular consequence: nonsense.
Genome position (GRCh38, 1-based): chr6:162,443,384, G>A on the plus strand (C>T on the coding strand, the complement: PRKN is on the minus strand). VCF-style: chr6-162443384-G-A. GRCh37 (hg19) VCF-style: chr6-162864416-G-A.
Other names: c.97C>T, p.Arg33Ter (NM_013987.3, NM_013988.3); short protein forms R33*.
Identifiers: ClinVar variation 853293 (VCV000853293.11), dbSNP rs770591350, ClinGen allele CA4090516.